The following is an entry in ClinVar:

ClinVar aggregate classification (germline): Uncertain significance. Review status: criteria provided, multiple submitters, no conflicts (2 of 4 stars). 2 submissions from 2 submitters: Uncertain significance (2). Last evaluated 2025-04-28.

gnomAD v4.1: 941 of 1,613,694 alleles (0.058%); highest among the groups gnomAD compares: Non-Finnish European, 0.074%; 1 homozygote.

Submissions (2):

Mayo Clinic Laboratories, Mayo Clinic
Classification: Uncertain significance. Last evaluated: 2025-04-28. Review status: criteria provided, single submitter. Criteria: ACMG Guidelines, 2015. Collection method: clinical testing. Allele origin: germline. Observed: 1 variant allele.
Comment: BP4

Women's Health and Genetics/Laboratory Corporation of America, LabCorp
Classification: Uncertain significance. Last evaluated: 2024-11-19. Review status: criteria provided, single submitter. Criteria: LabCorp Variant Classification Summary - May 2015. Collection method: clinical testing. Allele origin: germline.
Comment: Variant summary: CLCF1 c.365G>A (p.Arg122His) results in a non-conservative amino acid change in the encoded protein sequence. Four of five in-silico tools predict a benign effect of the variant on protein function. The variant allele was found at a frequency of 0.0004 in 250138 control chromosomes. This frequency is not significantly higher than estimated for a pathogenic variant in CLCF1 causing Cold-induced sweating syndrome 2 (0.0004 vs 0.0011), allowing no conclusion about variant significance. To our knowledge, no occurrence of c.365G>A in individuals affected with Cold-induced sweating syndrome 2 and no experimental evidence demonstrating its impact on protein function have been reported. No submitters have cited clinical-significance assessments for this variant to ClinVar. Based on the evidence outlined above, the variant was classified as uncertain significance.

NM_013246.3(CLCF1):c.365G>A (p.Arg122His)

Genes: CLCF1 (cardiotrophin like cytokine factor 1; minus strand), LOC100130987 (uncharacterized LOC100130987; plus strand). Cytogenetic location: 11q13.2.
Variant type: single nucleotide variant.
Coding change: c.365G>A on transcript NM_013246.3 (MANE Select); coding-DNA position 365, G replaced by A.
Protein change: p.Arg122His; replaces arginine 122 with histidine.
Molecular consequence: missense variant.
Genome position (GRCh38, 1-based): chr11:67,365,449, C>T on the plus strand (G>A on the coding strand, the complement: CLCF1 is on the minus strand). VCF-style: chr11-67365449-C-T. GRCh37 (hg19) VCF-style: chr11-67132920-C-T.
Other names: p.Arg122His; c.335G>A, p.Arg112His (NM_001166212.2); short protein forms R112H, R122H.
Identifiers: ClinVar variation 3630002 (VCV003630002.2).